The following is an entry in ClinVar:

NM_000268.4(NF2):c.771G>A (p.Pro257=)

Gene: NF2 (NF2, moesin-ezrin-radixin like (MERLIN) tumor suppressor; plus strand). Cytogenetic location: 22q12.2.
Variant type: single nucleotide variant.
Coding change: c.771G>A on transcript NM_000268.4 (MANE Select); coding-DNA position 771, G replaced by A.
Protein change: p.Pro257=; no amino-acid change (proline 257 retained).
Molecular consequence: synonymous variant. On other transcripts: non-coding transcript variant (1), intron variant (1).
Genome position (GRCh38, 1-based): chr22:29,661,300, G>A. VCF-style: chr22-29661300-G-A. GRCh37 (hg19) VCF-style: chr22-30057289-G-A.
Other names: c.771G>A, p.Pro257= (NM_016418.5, NM_181825.3, NM_181832.3); c.645G>A, p.Pro215= (NM_181828.3); c.648G>A, p.Pro216= (NM_181829.3); c.522G>A, p.Pro174= (NM_181830.3, NM_181831.3); c.447+19015G>A (NM_181833.3).
Identifiers: ClinVar variation 527711 (VCV000527711.39), dbSNP rs759032771, ClinGen allele CA035107.

ClinVar aggregate classification (germline): Likely benign. Review status: criteria provided, multiple submitters, no conflicts (2 of 4 stars). 6 submissions from 6 submitters: Likely benign (6). Last evaluated 2025-12-17.

Conditions:
Neurofibromatosis, type 2 (SWNV). Also called: NF2-Related Schwannomatosis; SCHWANNOMATOSIS, VESTIBULAR; BILATERAL ACOUSTIC NEUROFIBROMATOSIS. Identifiers: Orphanet 637, MedGen C0027832, MONDO:0007039, OMIM 101000. Disease mechanism: loss of function.
Hereditary cancer-predisposing syndrome. Also called: Neoplastic Syndromes, Hereditary; Hereditary Cancer Syndrome; Tumor predisposition; Hereditary neoplastic syndrome. Identifiers: Orphanet 140162, MedGen C0027672, MeSH D009386, MONDO:0015356.

Allele frequency attached by ClinVar (database versions not stated): gnomAD exomes 0.00001 and 0.00003; ExAC 0.00002; gnomAD 0.00009 and 0.00010; TOPMed 0.00009.
gnomAD v4.1: 60 of 1,614,056 alleles (0.0037%); highest among the groups gnomAD compares: Admixed American, 0.013%; no homozygotes.

Submissions (6):

Labcorp Genetics (formerly Invitae), Labcorp
Classification: Likely benign for Neurofibromatosis, type 2. Last evaluated: 2025-12-17. Review status: criteria provided, single submitter. Criteria: Invitae Variant Classification Sherloc (09022015). Collection method: clinical testing. Allele origin: germline.

CeGaT Center for Human Genetics Tuebingen
Classification: Likely benign. Last evaluated: 2024-04-01. Review status: criteria provided, single submitter. Criteria: CeGaT Center For Human Genetics Tuebingen Variant Classification Criteria Version 2. Collection method: clinical testing. Allele origin: germline. Affected: yes. Observed: 1 variant allele.
Comment: NF2: BP4, BP7

All of Us Research Program, National Institutes of Health
Classification: Likely benign for Neurofibromatosis, type 2. Last evaluated: 2024-01-08. Review status: criteria provided, single submitter. Criteria: ACMG Guidelines, 2015. Collection method: clinical testing. Allele origin: germline. Inheritance: Autosomal dominant inheritance. Observed: 3 variant alleles, 3 heterozygotes.
Comment: This study involves interpretation of variants in research participants for the purpose of population health screening. Participant phenotype was not available at the time of variant classification. Additional details can be found in publication PMID: 35346344, PMCID: PMC8962531

Blueprint Genetics
Classification: Likely benign. Last evaluated: 2023-08-15. Review status: criteria provided, single submitter. Criteria: ACMG Guidelines, 2015. Collection method: clinical testing. Allele origin: germline.

Color Diagnostics, LLC DBA Color Health
Classification: Likely benign for Neurofibromatosis, type 2. Last evaluated: 2022-11-06. Review status: criteria provided, single submitter. Criteria: ACMG Guidelines, 2015. Collection method: clinical testing. Allele origin: germline.

Ambry Genetics
Classification: Likely benign for Hereditary cancer-predisposing syndrome. Last evaluated: 2018-11-07. Review status: criteria provided, single submitter. Criteria: Ambry Variant Classification Scheme 2023. Collection method: clinical testing. Allele origin: germline.